The following is an entry in ClinVar:

ClinVar aggregate classification (germline): Uncertain significance (1 of 4 stars; one submission).

Conditions:
Eichsfeld type congenital muscular dystrophy (CMYO3). Also called: SELENON-related myopathy; Congenital myopathy 3 with rigid spine; Rigid spine muscular dystrophy 1; MYOPATHY, SEPN1-RELATED. Identifiers: MedGen C0410180, MONDO:0100100, OMIM 602771.

Allele frequency attached by ClinVar (database versions not stated): gnomAD exomes below 0.00001.
gnomAD v4.1: 1 of 1,613,538 alleles (0.000062%); highest among the groups gnomAD compares: Admixed American, 0.0017%; no homozygotes.

Submission:

Labcorp Genetics (formerly Invitae), Labcorp
Classification: Uncertain significance for Eichsfeld type congenital muscular dystrophy. Last evaluated: 2022-06-07. Review status: criteria provided, single submitter. Criteria: Invitae Variant Classification Sherloc (09022015). Collection method: clinical testing. Allele origin: germline.
Comment: In summary, the available evidence is currently insufficient to determine the role of this variant in disease. Therefore, it has been classified as a Variant of Uncertain Significance. Algorithms developed to predict the effect of missense changes on protein structure and function are either unavailable or do not agree on the potential impact of this missense change (SIFT: "Deleterious"; PolyPhen-2: "Possibly Damaging"; Align-GVGD: "Class C0"). This variant has not been reported in the literature in individuals affected with SELENON-related conditions. This variant is present in population databases (no rsID available, gnomAD 0.003%). This sequence change replaces asparagine, which is neutral and polar, with serine, which is neutral and polar, at codon 335 of the SELENON protein (p.Asn335Ser).

NM_206926.2(SELENON):c.902A>G (p.Asn301Ser)

Gene: SELENON (selenoprotein N; plus strand). Cytogenetic location: 1p36.11.
Variant type: single nucleotide variant.
Coding change: c.902A>G on transcript NM_206926.2 (MANE Select); coding-DNA position 902, A replaced by G.
Protein change: p.Asn301Ser; replaces asparagine 301 with serine.
Molecular consequence: missense variant.
Genome position (GRCh38, 1-based): chr1:25,809,814, A>G. VCF-style: chr1-25809814-A-G. GRCh37 (hg19) VCF-style: chr1-26136305-A-G.
Other names: c.1004A>G, p.Asn335Ser (NM_020451.3); short protein forms N301S, N335S.
Identifiers: ClinVar variation 2158906 (VCV002158906.3), dbSNP rs1438414909, ClinGen allele CA339114938.
Genomic context (GRCh38, chr1:25,809,814, plus strand): 5'-GCCACATCATCCTCTCCAAAGACGCCACCCACGTCCGCGACTTCCGGCTCTTCGTGCCCA[A>G]CCACAGGTGGGAGCTTGACCCTGGCCCAGCCTTGGCTCCCTCCTACAGCTTGTCCTGCTC-3'
Protein context (NP_996809.1, residues 291-311): HVRDFRLFVP[Asn301Ser]HRSLNVDMEW